The following is an entry in ClinVar:

NM_001330360.2(POLA1):c.1378G>C (p.Glu460Gln)

Gene: POLA1 (DNA polymerase alpha 1, catalytic subunit; plus strand). Cytogenetic location: Xp22.11.
Variant type: single nucleotide variant.
Coding change: c.1378G>C on transcript NM_001330360.2 (MANE Select); coding-DNA position 1378, G replaced by C.
Protein change: p.Glu460Gln; replaces glutamic acid 460 with glutamine.
Molecular consequence: missense variant. On other transcripts: non-coding transcript variant (2), intron variant (1).
Genome position (GRCh38, 1-based): chrX:24,726,041, G>C. VCF-style: chrX-24726041-G-C. GRCh37 (hg19) VCF-style: chrX-24744158-G-C.
Other names: c.1378G>C, p.Glu460Gln (NM_001440806.1); c.1360G>C, p.Glu454Gln (NM_016937.4); c.1318-892G>C (NM_001378303.1); short protein forms E460Q, E454Q.
Identifiers: ClinVar variation 4691315 (VCV004691315.1).

ClinVar aggregate classification (germline): Uncertain significance (1 of 4 stars; one submission).

gnomAD v4.1: 10 of 1,139,165 alleles (0.00088%); highest among the groups gnomAD compares: Non-Finnish European, 0.00096%; no homozygotes.

Submission:

Labcorp Genetics (formerly Invitae), Labcorp
Classification: Uncertain significance. Last evaluated: 2026-01-14. Review status: criteria provided, single submitter. Criteria: Invitae Variant Classification Sherloc (09022015). Collection method: clinical testing. Allele origin: germline.
Comment: This sequence change replaces glutamic acid, which is acidic and polar, with glutamine, which is neutral and polar, at codon 454 of the POLA1 protein (p.Glu454Gln). This variant is present in population databases (rs760363128, gnomAD 0.003%), including at least one homozygous and/or hemizygous individual. This variant has not been reported in the literature in individuals affected with POLA1-related conditions. Invitae Evidence Modeling of protein sequence and biophysical properties (such as structural, functional, and spatial information, amino acid conservation, physicochemical variation, residue mobility, and thermodynamic stability) has been performed for this missense variant. However, the output from this modeling did not meet the statistical confidence thresholds required to predict the impact of this variant on POLA1 protein function. In summary, the available evidence is currently insufficient to determine the role of this variant in disease. Therefore, it has been classified as a Variant of Uncertain Significance.